The following is an entry in ClinVar:

NM_004415.4(DSP):c.1557C>T (p.Ala519=)

Gene: DSP (desmoplakin; plus strand). Cytogenetic location: 6p24.3.
Variant type: single nucleotide variant.
Coding change: c.1557C>T on transcript NM_004415.4 (MANE Select); coding-DNA position 1557, C replaced by T.
Protein change: p.Ala519=; no amino-acid change (alanine 519 retained).
Molecular consequence: synonymous variant.
Genome position (GRCh38, 1-based): chr6:7,569,323, C>T. VCF-style: chr6-7569323-C-T. GRCh37 (hg19) VCF-style: chr6-7569556-C-T.
Other names: c.1557C>T (LRG_423t1); c.1557C>T, p.Ala519= (NM_001008844.3, NM_001319034.2).
Identifiers: ClinVar variation 381146 (VCV000381146.18), dbSNP rs769629611, ClinGen allele CA028672.

ClinVar aggregate classification (germline): Benign/Likely benign. Review status: criteria provided, multiple submitters, no conflicts (2 of 4 stars). 6 submissions from 6 submitters: Benign (1); Likely benign (5). Last evaluated 2025-12-17.

Conditions:
DSP-related disorder. Also called: DSP-related disorders; DSP-related condition.
Arrhythmogenic right ventricular dysplasia 8 (ARVD8). Also called: ARRHYTHMOGENIC RIGHT VENTRICULAR DYSPLASIA, FAMILIAL, 8; ARRHYTHMOGENIC RIGHT VENTRICULAR CARDIOMYOPATHY 8; Arrhythmogenic Right Ventricular Dysplasia/Cardiomyopathy 8. Identifiers: MedGen C1843896, MONDO:0011831, OMIM 607450.
Arrhythmogenic cardiomyopathy with wooly hair and keratoderma. Also called: PALMOPLANTAR KERATODERMA WITH LEFT VENTRICULAR CARDIOMYOPATHY AND WOOLLY HAIR; Carvajal syndrome; Arrhythmogenic cardiomyopathy with woolly hair and keratoderma; Dilated cardiomyopathy with woolly hair and keratoderma. Identifiers: Orphanet 65282, MedGen C1854063, MONDO:0011581, OMIM 605676.
Cardiomyopathy (CMYO). Also called: Cardiomyopathies. Identifiers: Orphanet 167848, MedGen C0878544, MONDO:0004994, HP:0001638. Inheritance: Various modes of inheritance.

Allele frequency attached by ClinVar (database versions not stated): ExAC 0.00003; gnomAD exomes 0.00003.
gnomAD v4.1: 24 of 1,614,120 alleles (0.0015%); highest among the groups gnomAD compares: Admixed American, 0.0033%; no homozygotes.

Submissions (6):

PreventionGenetics, part of Exact Sciences
Classification: Likely benign for DSP-related condition. Last evaluated: 2025-12-17. Review status: criteria provided, single submitter. Criteria: ACMG Guidelines, 2015. Collection method: clinical testing. Allele origin: germline.
Comment: This variant is classified as likely benign based on ACMG/AMP sequence variant interpretation guidelines (Richards et al. 2015 PMID: 25741868, with internal and published modifications).

Labcorp Genetics (formerly Invitae), Labcorp
Classification: Likely benign for Arrhythmogenic cardiomyopathy with wooly hair and keratoderma; Arrhythmogenic right ventricular dysplasia 8. Last evaluated: 2025-10-21. Review status: criteria provided, single submitter. Criteria: Invitae Variant Classification Sherloc (09022015). Collection method: clinical testing. Allele origin: germline.

All of Us Research Program, National Institutes of Health
Classification: Likely benign for Arrhythmogenic cardiomyopathy with wooly hair and keratoderma. Last evaluated: 2023-12-13. Review status: criteria provided, single submitter. Criteria: ACMG Guidelines, 2015. Collection method: clinical testing. Allele origin: germline. Inheritance: Autosomal dominant inheritance. Observed: 4 variant alleles, 4 heterozygotes.
Comment: This study involves interpretation of variants in research participants for the purpose of population health screening. Participant phenotype was not available at the time of variant classification. Additional details can be found in publication PMID: 35346344, PMCID: PMC8962531

Molecular Diagnostic Laboratory for Inherited Cardiovascular Disease, Montreal Heart Institute
Classification: Benign. Last evaluated: 2019-11-15. Review status: criteria provided, single submitter. Criteria: ACMG Guidelines, 2015. Collection method: clinical testing. Allele origin: germline. Affected: yes.

Color Diagnostics, LLC DBA Color Health
Classification: Likely benign for Cardiomyopathy. Last evaluated: 2019-09-09. Review status: criteria provided, single submitter. Criteria: ACMG Guidelines, 2015. Collection method: clinical testing. Allele origin: germline.

GeneDx
Classification: Likely benign. Last evaluated: 2015-10-23. Review status: criteria provided, single submitter. Criteria: GeneDx Variant Classification (06012015). Collection method: clinical testing. Allele origin: germline. Affected: yes.
Comment: This variant is considered likely benign or benign based on one or more of the following criteria: it is a conservative change, it occurs at a poorly conserved position in the protein, it is predicted to be benign by multiple in silico algorithms, and/or has population frequency not consistent with disease.